The following is an entry in ClinVar:

ClinVar aggregate classification (germline): Uncertain significance (1 of 4 stars; one submission).

gnomAD v4.1: 1 of 1,613,734 alleles (0.000062%); highest among the groups gnomAD compares: Non-Finnish European, 0.000085%; no homozygotes.

Submission:

GeneDx
Classification: Uncertain significance. Last evaluated: 2023-12-15. Review status: criteria provided, single submitter. Criteria: GeneDx Variant Classification Process June 2021. Collection method: clinical testing. Allele origin: germline. Affected: yes.
Comment: Not observed at significant frequency in large population cohorts (gnomAD); Nonsense variant predicted to result in protein truncation or nonsense mediated decay in a gene or region of a gene for which loss of function is not a well-established mechanism of disease; This variant is associated with the following publications: (PMID: 28991257, 32368696)

NM_003070.5(SMARCA2):c.4036C>T (p.Arg1346Ter)

Gene: SMARCA2 (SWI/SNF related BAF chromatin remodeling complex subunit ATPase 2; plus strand). Cytogenetic location: 9p24.3.
Variant type: single nucleotide variant.
Coding change: c.4036C>T on transcript NM_003070.5 (MANE Select); coding-DNA position 4036, C replaced by T.
Protein change: p.Arg1346Ter; replaces arginine 1346 with a stop codon.
Molecular consequence: nonsense.
Genome position (GRCh38, 1-based): chr9:2,161,740, C>T. VCF-style: chr9-2161740-C-T. GRCh37 (hg19) VCF-style: chr9-2161740-C-T.
Other names: c.4036C>T, p.Arg1346Ter (NM_001289396.2, NM_139045.4); c.3862C>T, p.Arg1288Ter (NM_001289397.2); c.64C>T, p.Arg22Ter (NM_001289398.2); c.148C>T, p.Arg50Ter (NM_001289399.2); c.154C>T, p.Arg52Ter (NM_001289400.2); short protein forms R1288*, R1346*, R22*, R50*, R52*.
Identifiers: ClinVar variation 3252450 (VCV003252450.1), dbSNP rs1825687756.